The following is an entry in ClinVar:

ClinVar aggregate classification (germline): Likely benign (0 of 4 stars; one submission).

Conditions:
JAG1-related disorder. Also called: JAG1-related condition; JAG1-related disorders.

Submission:

PreventionGenetics, part of Exact Sciences
Classification: Likely benign for JAG1-related condition. Last evaluated: 2024-08-22. Review status: no assertion criteria provided. Collection method: clinical testing. Allele origin: germline.
Comment: This variant is classified as likely benign based on ACMG/AMP sequence variant interpretation guidelines (Richards et al. 2015 PMID: 25741868, with internal and published modifications).

NM_000214.3(JAG1):c.-8G>A

Gene: JAG1 (jagged canonical Notch ligand 1; minus strand). Cytogenetic location: 20p12.2.
Variant type: single nucleotide variant.
Coding change: c.-8G>A on transcript NM_000214.3 (MANE Select); 8 bases upstream of the start codon, G replaced by A.
Molecular consequence: 5 prime UTR variant.
Genome position (GRCh38, 1-based): chr20:10,673,538, C>T on the plus strand (G>A on the coding strand, the complement: JAG1 is on the minus strand). VCF-style: chr20-10673538-C-T. GRCh37 (hg19) VCF-style: chr20-10654186-C-T.
Identifiers: ClinVar variation 3354487 (VCV003354487.1).
Genomic context (GRCh38, chr20:10,673,538, plus strand): 5'-AGCAGGAGGCTTAGGGGGCGCCCGGACCGGCCGCGCGTCCGTGGGGAACGCATCGCTGCG[C>T]CGCGCGCCGCGGGCACTCGGGACGCCGCCGCTGCTGTTCGCGCTGGTGCTGCCGCCGGTG-3'